The following is an entry in ClinVar:

ClinVar aggregate classification (germline): Likely benign (1 of 4 stars; one submission).

Conditions:
HUWE1-related disorder. Also called: HUWE1-related condition.

gnomAD v4.1: 6 of 1,209,049 alleles (0.0005%); highest among the groups gnomAD compares: East Asian, 0.018%; no homozygotes.

Submission:

PreventionGenetics, part of Exact Sciences
Classification: Likely benign for HUWE1-related condition. Last evaluated: 2025-11-02. Review status: criteria provided, single submitter. Criteria: ACMG Guidelines, 2015. Collection method: clinical testing. Allele origin: germline.
Comment: This variant is classified as likely benign based on ACMG/AMP sequence variant interpretation guidelines (Richards et al. 2015 PMID: 25741868, with internal and published modifications).

NM_031407.7(HUWE1):c.4057T>C (p.Leu1353=)

Gene: HUWE1 (HECT, UBA and WWE domain containing E3 ubiquitin protein ligase 1; minus strand). Cytogenetic location: Xp11.22.
Variant type: single nucleotide variant.
Coding change: c.4057T>C on transcript NM_031407.7 (MANE Select); coding-DNA position 4057, T replaced by C.
Protein change: p.Leu1353=; no amino-acid change (leucine 1353 retained).
Molecular consequence: synonymous variant.
Genome position (GRCh38, 1-based): chrX:53,591,038, A>G on the plus strand (T>C on the coding strand, the complement: HUWE1 is on the minus strand). VCF-style: chrX-53591038-A-G. GRCh37 (hg19) VCF-style: chrX-53617998-A-G.
Other names: c.4057T>C, p.Leu1353= (NM_001441048.1, NM_001441049.1, NM_001441051.1 and 6 more transcripts); c.4078T>C, p.Leu1360= (NM_001441050.1, NM_001441055.1).
Identifiers: ClinVar variation 4977731 (VCV004977731.1).